The following is an entry in ClinVar:

ClinVar aggregate classification (germline): Uncertain significance (1 of 4 stars; one submission).

Allele frequency attached by ClinVar (database versions not stated): gnomAD 0.00001.
gnomAD v4.1: 12 of 1,612,746 alleles (0.00074%); highest among the groups gnomAD compares: Non-Finnish European, 0.001%; no homozygotes.

Submission:

Ambry Genetics
Classification: Uncertain significance. Last evaluated: 2021-11-07. Review status: criteria provided, single submitter. Criteria: Ambry Variant Classification Scheme 2023. Collection method: clinical testing. Allele origin: germline.
Comment: The p.A38E variant (also known as c.113C>A), located in coding exon 2 of the NPAT gene, results from a C to A substitution at nucleotide position 113. The alanine at codon 38 is replaced by glutamic acid, an amino acid with dissimilar properties. This amino acid position is conserved. In addition, the in silico prediction for this alteration is inconclusive. Since supporting evidence is limited at this time, the clinical significance of this alteration remains unclear.

NM_002519.3(NPAT):c.113C>A (p.Ala38Glu)

Gene: NPAT (nuclear protein, coactivator of histone transcription; minus strand). Cytogenetic location: 11q22.3.
Variant type: single nucleotide variant.
Coding change: c.113C>A on transcript NM_002519.3 (MANE Select); coding-DNA position 113, C replaced by A.
Protein change: p.Ala38Glu; replaces alanine 38 with glutamic acid.
Molecular consequence: missense variant.
Genome position (GRCh38, 1-based): chr11:108,197,345, G>T on the plus strand (C>A on the coding strand, the complement: NPAT is on the minus strand). VCF-style: chr11-108197345-G-T. GRCh37 (hg19) VCF-style: chr11-108068072-G-T.
Other names: c.113C>A, p.Ala38Glu (NM_001321307.1); short protein forms A38E.
Identifiers: ClinVar variation 1730762 (VCV001730762.2), dbSNP rs1053430250, ClinGen allele CA382528158.
Genomic context (GRCh38, chr11:108,197,345, plus strand): 5'-AGGAACAAATAACTCACCAGTAAGCAGGCTGGAATAAACCCTTCATCTGTACAATGTTCT[G>T]CATATTCTTTTAAATCTGAACTTTCCAAAATAAAAGTCTGGCAGGTAGAAATGAGGTTTT-3'
Protein context (NP_002510.2, residues 28-48): ILESSDLKEY[Ala38Glu]EHCTDEGFIP